The following is an entry in ClinVar:

ClinVar aggregate classification (germline): Uncertain significance (1 of 4 stars; one submission).

Submission:

GeneDx
Classification: Uncertain significance. Last evaluated: 2022-11-04. Review status: criteria provided, single submitter. Criteria: GeneDx Variant Classification Process June 2021. Collection method: clinical testing. Allele origin: germline. Affected: yes.
Comment: Not observed at significant frequency in large population cohorts (gnomAD); In silico analysis supports that this missense variant has a deleterious effect on protein structure/function; Has not been previously published as pathogenic or benign to our knowledge

NM_001037333.3(CYFIP2):c.428T>C (p.Leu143Pro)

Gene: CYFIP2 (cytoplasmic FMR1 interacting protein 2; plus strand). Cytogenetic location: 5q33.3.
Variant type: single nucleotide variant.
Coding change: c.428T>C on transcript NM_001037333.3 (MANE Select); coding-DNA position 428, T replaced by C.
Protein change: p.Leu143Pro; replaces leucine 143 with proline.
Molecular consequence: missense variant.
Genome position (GRCh38, 1-based): chr5:157,300,755, T>C. VCF-style: chr5-157300755-T-C. GRCh37 (hg19) VCF-style: chr5-156727763-T-C.
Other names: c.350T>C, p.Leu117Pro (NM_001291721.2); c.428T>C, p.Leu143Pro (NM_001291722.2, NM_014376.4); short protein forms L117P, L143P.
Identifiers: ClinVar variation 2501607 (VCV002501607.1), dbSNP rs2532306082, ClinGen allele CA361966323.